The following is an entry in ClinVar:

NM_018972.4(GDAP1):c.311-1G>A

Gene: GDAP1 (ganglioside induced differentiation associated protein 1; plus strand). Cytogenetic location: 8q21.11.
Variant type: single nucleotide variant.
Coding change: c.311-1G>A on transcript NM_018972.4 (MANE Select); the canonical splice acceptor site of the intron before coding-DNA position 311, G replaced by A.
Molecular consequence: splice acceptor variant. On other transcripts: intron variant (1).
Genome position (GRCh38, 1-based): chr8:74,360,136, G>A. VCF-style: chr8-74360136-G-A. GRCh37 (hg19) VCF-style: chr8-75272371-G-A.
Other names: c.311-1G>A (NM_001362931.2); c.311-1748G>A (NM_001362930.2); c.-17-1G>A (NM_001362929.2, NM_001362932.2); c.107-1G>A (NM_001040875.4).
Identifiers: ClinVar variation 637452 (VCV000637452.47), dbSNP rs1370011538, ClinGen allele CA371548237.
Genomic context (GRCh38, chr8:74,360,136, plus strand): 5'-CTTTTGAGTGTAACAACTCATGTGTAACTTTTTCTTCAATATTTGTGTGTGTGTATTTTA[G>A]AAAGAACACCCAGGTTAATGCCTGATAAAGAAAGCATGTATTACCCACGGGTACAACATT-3'

ClinVar aggregate classification (germline): Pathogenic/Likely pathogenic. Review status: criteria provided, multiple submitters, no conflicts (2 of 4 stars). 7 submissions from 7 submitters: Pathogenic (4); Likely pathogenic (1). 2 of the submissions do not count toward it. Last evaluated 2026-03-02.

Conditions:
Charcot-Marie-Tooth disease, axonal, with vocal cord paresis, autosomal recessive. Also called: CHARCOT-MARIE-TOOTH DISEASE, TYPE 4A, AXONAL FORM; CHARCOT-MARIE-TOOTH NEUROPATHY, AXONAL, WITH VOCAL CORD PARESIS, AUTOSOMAL RECESSIVE; CMT2 WITH VOCAL CORD PARESIS, AUTOSOMAL RECESSIVE. Identifiers: Orphanet 101097, MedGen C1843183, MONDO:0011898, OMIM 607706.
Charcot-Marie-Tooth disease axonal type 2K (CMT2K). Also called: Charcot-Marie-Tooth disease type 2K; CHARCOT-MARIE-TOOTH DISEASE, AXONAL, AUTOSOMAL RECESSIVE, TYPE 2K; CHARCOT-MARIE-TOOTH NEUROPATHY, AXONAL, TYPE 2K. Identifiers: Orphanet 101097, Orphanet 99944, MedGen C1842983, MONDO:0011916, OMIM 607831.
Charcot-Marie-Tooth disease type 4A. Also called: Charcot-Marie-Tooth disease, demyelinating, autosomal recessive, type 4a. Identifiers: Orphanet 99948, MedGen C1859198, MONDO:0008961, OMIM 214400.
Charcot-Marie-Tooth disease recessive intermediate A (CMTRIA). Also called: CHARCOT-MARIE-TOOTH NEUROPATHY, RECESSIVE INTERMEDIATE A. Identifiers: Orphanet 217055, MedGen C1842197, MONDO:0012014, OMIM 608340.
GDAP1-related disorder. Also called: GDAP1-related condition; GDAP1-related disorders.
Charcot-Marie-Tooth disease. Also called: Charcot-Marie-Tooth Hereditary Neuropathy; Charcot-Marie-Tooth Neuropathy. Identifiers: Orphanet 166, MedGen C0007959, MONDO:0015626.

Allele frequency attached by ClinVar (database versions not stated): gnomAD exomes below 0.00001 and 0.00001; TOPMed below 0.00001; gnomAD 0.00001.
gnomAD v4.1: 9 of 1,609,868 alleles (0.00056%); highest among the groups gnomAD compares: African/African-American, 0.0013%; no homozygotes.

Submissions (7):

Women's Health and Genetics/Laboratory Corporation of America, LabCorp
Classification: Pathogenic for Charcot-Marie-Tooth disease axonal type 2K. Last evaluated: 2026-03-02. Review status: criteria provided, single submitter. Criteria: LabCorp Variant Classification Summary - May 2015. Collection method: clinical testing. Allele origin: germline.
Comment: Variant summary: GDAP1 c.311-1G>A is located in a canonical splice-site and is predicted to affect mRNA splicing resulting in a significantly altered protein due to either exon skipping, shortening, or inclusion of intronic material. Variants that disrupt the consensus splice site are a relatively common cause of aberrant splicing and loss of GDAP1 function. Several computational tools predict a significant impact on normal splicing: Three predict the variant abolishes a 3' acceptor site. Two predict the variant creates a cryptic 3' acceptor site. However, these predictions have yet to be confirmed by functional studies. The variant allele was found at a frequency of 4e-06 in 251290 control chromosomes (gnomAD). c.311-1G>A has been observed in individuals affected with Charcot-Marie-Tooth disease (Kabziska_2005, Sevilla_2008). These data indicate that the variant may be associated with disease. To our knowledge, no experimental evidence demonstrating an impact on protein function has been reported. The following publications have been ascertained in the context of this evaluation (PMID: 15944907, 18812441). ClinVar contains an entry for this variant (Variation ID: 637452). Based on the evidence outlined above, the variant was classified as pathogenic.

PreventionGenetics, part of Exact Sciences
Classification: Pathogenic for GDAP1-related condition. Last evaluated: 2026-02-20. Review status: criteria provided, single submitter. Criteria: ACMG Guidelines, 2015. Collection method: clinical testing. Allele origin: germline.
Comment: The GDAP1 c.311-1G>A variant is predicted to disrupt the AG splice acceptor site and interfere with normal splicing. This variant has been reported in the compound heterozygous state or along with a causative variant in two individuals with Charcot-Marie-Tooth disease (Kabzinska et al. 2005. PubMed ID: 15944907; Sevilla et al. 2008. PubMed ID: 18812441). This variant is reported in 0.00088% of alleles in individuals of European (Non-Finnish) descent in gnomAD. Variants that disrupt the consensus splice acceptor site in GDAP1 are expected to be pathogenic. This variant is interpreted as pathogenic.

Labcorp Genetics (formerly Invitae), Labcorp
Classification: Pathogenic for Charcot-Marie-Tooth disease type 4A. Last evaluated: 2025-03-30. Review status: criteria provided, single submitter. Criteria: Invitae Variant Classification Sherloc (09022015). Collection method: clinical testing. Allele origin: germline.
Comment: This sequence change affects an acceptor splice site in intron 2 of the GDAP1 gene. It is expected to disrupt RNA splicing. Variants that disrupt the donor or acceptor splice site typically lead to a loss of protein function (PMID: 16199547), and loss-of-function variants in GDAP1 are known to be pathogenic (PMID: 11743580). This variant is present in population databases (no rsID available, gnomAD 0.0009%). Disruption of this splice site has been observed in individuals with autosomal recessive Charcot-Marie-Tooth disease (PMID: 15944907, 18812441). ClinVar contains an entry for this variant (Variation ID: 637452). Algorithms developed to predict the effect of sequence changes on RNA splicing suggest that this variant may disrupt the consensus splice site. For these reasons, this variant has been classified as Pathogenic.

Fulgent Genetics
Classification: Likely pathogenic for Charcot-Marie-Tooth disease type 4A; Charcot-Marie-Tooth disease, axonal, with vocal cord paresis, autosomal recessive; Charcot-Marie-Tooth disease axonal type 2K; Charcot-Marie-Tooth disease recessive intermediate A. Last evaluated: 2024-02-15. Review status: criteria provided, single submitter. Criteria: ACMG Guidelines, 2015. Collection method: clinical testing. Allele origin: germline.

CeGaT Center for Human Genetics Tuebingen
Classification: Pathogenic. Last evaluated: 2021-07-01. Review status: criteria provided, single submitter. Criteria: CeGaT Center For Human Genetics Tuebingen Variant Classification Criteria Version 2. Collection method: clinical testing. Allele origin: germline. Affected: yes. Observed: 1 variant allele.

Inherited Neuropathy Consortium Ii, University Of Miami
Classification: Uncertain significance for Charcot-Marie-Tooth disease axonal type 2K. Last evaluated: 2016-01-06. Review status: no assertion criteria provided. Collection method: literature only. Allele origin: germline. Affected: yes. Not counted in ClinVar's aggregate classification.

Inherited Neuropathy Consortium
Classification: Uncertain significance for Charcot-Marie-Tooth disease. Review status: no assertion criteria provided. Collection method: literature only. Allele origin: germline. Affected: yes. Not counted in ClinVar's aggregate classification.

Literature cited by the submitters: PubMed 15944907 (cited by 3 submitters); PubMed 18812441 (cited by 3 submitters); PubMed 16199547 (cited by Labcorp Genetics (formerly Invitae), Labcorp); PubMed 11743580 (cited by Labcorp Genetics (formerly Invitae), Labcorp).